The following is an entry in ClinVar:

NM_001174150.2(ARL13B):c.550del (p.Tyr184fs)

Gene: ARL13B (ARF like GTPase 13B; plus strand). Cytogenetic location: 3q11.2.
Variant type: Deletion.
Coding change: c.550del on transcript NM_001174150.2 (MANE Select); coding-DNA position 550, one base deleted (T; older notation c.550delT).
Protein change: p.Tyr184fs; shifts the reading frame from tyrosine 184.
Molecular consequence: frameshift variant. On other transcripts: non-coding transcript variant (2).
Genome position (GRCh38, 1-based): chr3:94,036,615, T deleted; the last of 3 consecutive T bases (chr3:94,036,613-94,036,615); deleting any one gives the same sequence. VCF-style (leftmost placement, unchanged base first): chr3-94036612-CT-C. GRCh37 (hg19) VCF-style: chr3-93755456-CT-C.
Other names: c.241del, p.Tyr81fs (NM_001174151.2); c.505del, p.Tyr169fs (NM_001321328.2); c.550delT, p.Tyr184Ilefs (NM_001410782.1); c.229del, p.Tyr77fs (NM_144996.4); c.550del, p.Tyr184fs (NM_182896.3); short protein forms Y184fs, Y77fs, Y81fs, Y169fs.
Identifiers: ClinVar variation 2176910 (VCV002176910.5), dbSNP rs1180104221, ClinGen allele CA545016974.

ClinVar aggregate classification (germline): Pathogenic/Likely pathogenic. Review status: criteria provided, multiple submitters, no conflicts (2 of 4 stars). 2 submissions from 2 submitters: Pathogenic (1); Likely pathogenic (1). Last evaluated 2024-03-06.

Conditions:
Joubert syndrome 8 (JBTS8). Identifiers: Orphanet 475, MedGen C2676771, MONDO:0012855, OMIM 612291.

Submissions (2):

Fulgent Genetics
Classification: Likely pathogenic for Joubert syndrome 8. Last evaluated: 2024-03-06. Review status: criteria provided, single submitter. Criteria: ACMG Guidelines, 2015. Collection method: clinical testing. Allele origin: germline.

Labcorp Genetics (formerly Invitae), Labcorp
Classification: Pathogenic for Joubert syndrome 8. Last evaluated: 2022-07-17. Review status: criteria provided, single submitter. Criteria: Invitae Variant Classification Sherloc (09022015). Collection method: clinical testing. Allele origin: germline.
Comment: For these reasons, this variant has been classified as Pathogenic. This sequence change creates a premature translational stop signal (p.Tyr184Ilefs*14) in the ARL13B gene. It is expected to result in an absent or disrupted protein product. Loss-of-function variants in ARL13B are known to be pathogenic (PMID: 18674751). This variant is present in population databases (no rsID available, gnomAD no frequency). This variant has not been reported in the literature in individuals affected with ARL13B-related conditions.

Literature cited by the submitters: PubMed 18674751 (cited by Labcorp Genetics (formerly Invitae), Labcorp).